The following is an entry in ClinVar:

NM_001792.5(CDH2):c.694C>G (p.Arg232Gly)

Gene: CDH2 (cadherin 2; minus strand). Cytogenetic location: 18q12.1.
Variant type: single nucleotide variant.
Coding change: c.694C>G on transcript NM_001792.5 (MANE Select); coding-DNA position 694, C replaced by G.
Protein change: p.Arg232Gly; replaces arginine 232 with glycine.
Molecular consequence: missense variant.
Genome position (GRCh38, 1-based): chr18:28,009,725, G>C on the plus strand (C>G on the coding strand, the complement: CDH2 is on the minus strand). VCF-style: chr18-28009725-G-C. GRCh37 (hg19) VCF-style: chr18-25589689-G-C.
Other names: c.601C>G, p.Arg201Gly (NM_001308176.2); short protein forms R232G, R201G.
Identifiers: ClinVar variation 1379429 (VCV001379429.6), dbSNP rs202029952, ClinGen allele CA297917997.

ClinVar aggregate classification (germline): Uncertain significance (1 of 4 stars; one submission).

Submission:

Labcorp Genetics (formerly Invitae), Labcorp
Classification: Uncertain significance. Last evaluated: 2021-09-03. Review status: criteria provided, single submitter. Criteria: Invitae Variant Classification Sherloc (09022015). Collection method: clinical testing. Allele origin: germline.
Comment: In summary, the available evidence is currently insufficient to determine the role of this variant in disease. Therefore, it has been classified as a Variant of Uncertain Significance. Algorithms developed to predict the effect of missense changes on protein structure and function (SIFT, PolyPhen-2, Align-GVGD) all suggest that this variant is likely to be tolerated. This variant has not been reported in the literature in individuals affected with CDH2-related conditions. This variant is not present in population databases (ExAC no frequency). This sequence change replaces arginine with glycine at codon 232 of the CDH2 protein (p.Arg232Gly). The arginine residue is moderately conserved and there is a moderate physicochemical difference between arginine and glycine.